The following is an entry in ClinVar:

ClinVar aggregate classification (germline): Uncertain significance (1 of 4 stars; one submission).

Conditions:
Ataxia-telangiectasia syndrome (AT). Also called: LOUIS-BAR SYNDROME; Cerebello-oculocutaneous telangiectasia; Immunodeficiency with ataxia telangiectasia; Ataxia telangiectasia (A-T); Ataxia-telangiectasia, complementation group D; AT, COMPLEMENTATION GROUP C. Identifiers: Orphanet 100, MedGen C0004135, MONDO:0008840, OMIM 208900.

Submission:

Labcorp Genetics (formerly Invitae), Labcorp
Classification: Uncertain significance for Ataxia-telangiectasia syndrome. Last evaluated: 2023-06-24. Review status: criteria provided, single submitter. Criteria: Invitae Variant Classification Sherloc (09022015). Collection method: clinical testing. Allele origin: germline.
Comment: In summary, the available evidence is currently insufficient to determine the role of this variant in disease. Therefore, it has been classified as a Variant of Uncertain Significance. An algorithm developed to predict the effect of missense changes on protein structure and function (PolyPhen-2) suggests that this variant is likely to be disruptive. This variant has not been reported in the literature in individuals affected with ATM-related conditions. This variant is not present in population databases (gnomAD no frequency). This sequence change replaces tyrosine, which is neutral and polar, with asparagine, which is neutral and polar, at codon 2334 of the ATM protein (p.Tyr2334Asn).

NM_000051.4(ATM):c.7000T>A (p.Tyr2334Asn)

Genes: ATM (ATM serine/threonine kinase; plus strand), C11orf65 (chromosome 11 open reading frame 65; minus strand). Cytogenetic location: 11q22.3.
Variant type: single nucleotide variant.
Coding change: c.7000T>A on transcript NM_000051.4 (MANE Select); coding-DNA position 7000, T replaced by A.
Protein change: p.Tyr2334Asn; replaces tyrosine 2334 with asparagine.
Molecular consequence: missense variant. On other transcripts: intron variant (2).
Genome position (GRCh38, 1-based): chr11:108,327,669, T>A. VCF-style: chr11-108327669-T-A. GRCh37 (hg19) VCF-style: chr11-108198396-T-A.
Other names: c.641-18598A>T (NM_001330368.2); c.*38+7551A>T (NM_001351110.2); c.7000T>A, p.Tyr2334Asn (NM_001351834.2); short protein forms Y2334N.
Identifiers: ClinVar variation 2726983 (VCV002726983.3), dbSNP rs1064793312, ClinGen allele CA382558647.